The following is an entry in ClinVar:

NM_054012.4(ASS1):c.876T>C (p.His292=)

Gene: ASS1 (argininosuccinate synthase 1; plus strand). Cytogenetic location: 9q34.11.
Variant type: single nucleotide variant.
Coding change: c.876T>C on transcript NM_054012.4 (MANE Select); coding-DNA position 876, T replaced by C.
Protein change: p.His292=; no amino-acid change (histidine 292 retained).
Molecular consequence: synonymous variant.
Genome position (GRCh38, 1-based): chr9:130,489,370, T>C. VCF-style: chr9-130489370-T-C. GRCh37 (hg19) VCF-style: chr9-133364757-T-C.
Other names: p.H292H:CAT>CAC; p.His292=; c.876T>C, p.His292= (NM_000050.4).
Identifiers: ClinVar variation 92376 (VCV000092376.34), dbSNP rs1057484, ClinGen allele CA285302.

ClinVar aggregate classification (germline): Benign. Review status: criteria provided, multiple submitters, no conflicts (2 of 4 stars). 10 submissions from 10 submitters: Benign (9). 1 of the submissions does not count toward it. Last evaluated 2026-02-04.

Conditions:
Citrullinemia. Identifiers: Orphanet 187, MedGen C0175683, MONDO:0015991.
Citrullinemia type I (CTNL1). Also called: ASS DEFICIENCY; argininosuccinate synthetase deficiency. Identifiers: Orphanet 247525, MedGen C4721769, MONDO:0008988, OMIM 215700.

Allele frequency attached by ClinVar (database versions not stated): 1000 Genomes Project 0.07668; 1000 Genomes Project 30x 0.07730; gnomAD exomes 0.09141 and 0.09815; ExAC 0.09416; TOPMed 0.09515; ESP Exome Variant Server 0.10288; gnomAD 0.10382 and 0.10667.
gnomAD v4.1: 158,866 of 1,613,790 alleles (9.8%); highest among the groups gnomAD compares: African/African-American, 11%; 8,636 homozygotes.

Submissions (10):

Labcorp Genetics (formerly Invitae), Labcorp
Classification: Benign for Citrullinemia. Last evaluated: 2026-02-04. Review status: criteria provided, single submitter. Criteria: Invitae Variant Classification Sherloc (09022015). Collection method: clinical testing. Allele origin: germline.

Genome-Nilou Lab
Classification: Benign for Citrullinemia type I. Last evaluated: 2021-07-01. Review status: criteria provided, single submitter. Criteria: ACMG Guidelines, 2015. Collection method: clinical testing. Allele origin: germline. Affected: no.

Mayo Clinic Laboratories, Mayo Clinic
Classification: Benign. Last evaluated: 2021-04-07. Review status: criteria provided, single submitter. Criteria: ACMG Guidelines, 2015. Collection method: clinical testing. Allele origin: germline. Observed: 5 variant alleles.

ARUP Laboratories, Molecular Genetics and Genomics, ARUP Laboratories
Classification: Benign for Citrullinemia type I. Last evaluated: 2020-01-02. Review status: criteria provided, single submitter. Criteria: ARUP Molecular Germline Variant Investigation Process. Collection method: clinical testing. Allele origin: germline.

Eurofins Ntd Llc (ga)
Classification: Benign. Last evaluated: 2018-06-19. Review status: criteria provided, single submitter. Criteria: EGL ClinVar v180209 classification definitions. Collection method: clinical testing. Allele origin: germline. Observed: 11 variant alleles, 10 heterozygotes, 1 homozygote.

Illumina Laboratory Services, Illumina
Classification: Benign for Citrullinemia type I. Last evaluated: 2018-01-12. Review status: criteria provided, single submitter. Criteria: ICSL Variant Classification Criteria 13 December 2019. Collection method: clinical testing. Allele origin: germline.
Comment: This variant was observed in the ICSL laboratory as part of a predisposition screen in an ostensibly healthy population. It had not been previously curated by ICSL or reported in the Human Gene Mutation Database (HGMD: prior to June 1st, 2018), and was therefore a candidate for classification through an automated scoring system. Utilizing variant allele frequency, disease prevalence and penetrance estimates, and inheritance mode, an automated score was calculated to assess if this variant is too frequent to cause the disease. Based on the score and internal cut-off values, a variant classified as benign is not then subjected to further curation. The score for this variant resulted in a classification of benign for this disease.

GeneDx
Classification: Benign. Last evaluated: 2013-07-25. Review status: criteria provided, single submitter. Criteria: GeneDx Variant Classification (06012015). Collection method: clinical testing. Allele origin: germline. Affected: yes.
Comment: This variant is considered likely benign or benign based on one or more of the following criteria: it is a conservative change, it occurs at a poorly conserved position in the protein, it is predicted to be benign by multiple in silico algorithms, and/or has population frequency not consistent with disease.

Breakthrough Genomics
Classification: Benign. Review status: criteria provided, single submitter. Criteria: ACMG Guidelines, 2015. Collection method: not provided. Allele origin: germline. Inheritance: Autosomal recessive inheritance. Affected: yes.

PreventionGenetics, part of Exact Sciences
Classification: Benign. Review status: criteria provided, single submitter. Criteria: ACMG Guidelines, 2015. Collection method: clinical testing. Allele origin: germline.

Natera, Inc.
Classification: Benign for Citrullinemia type I. Last evaluated: 2017-05-05. Review status: no assertion criteria provided. Collection method: clinical testing. Allele origin: germline. Not counted in ClinVar's aggregate classification.